The following is an entry in ClinVar:

ClinVar aggregate classification (germline): Uncertain significance (1 of 4 stars; one submission).

Conditions:
Focal segmental glomerulosclerosis 7 (FSGS7). Identifiers: Orphanet 656, MedGen C4014925, MONDO:0014451, OMIM 616002.

Submission:

MVZ Medizinische Genetik Mainz
Classification: Uncertain significance for Focal segmental glomerulosclerosis 7. Last evaluated: 2024-03-01. Review status: criteria provided, single submitter. Criteria: UK Practice Guidelines For Variant Classification V4 01 2020. Collection method: clinical testing. Allele origin: germline. Inheritance: Autosomal dominant inheritance. Affected: yes. Observed: 1 variant allele.
Comment: ACMG Criteria: PM2_SUP,PM5_SUP

NM_000278.5(PAX2):c.530C>T (p.Ala177Val)

Gene: PAX2 (paired box 2; plus strand). Cytogenetic location: 10q24.31.
Variant type: single nucleotide variant.
Coding change: c.530C>T on transcript NM_000278.5 (MANE Select); coding-DNA position 530, C replaced by T.
Protein change: p.Ala177Val; replaces alanine 177 with valine.
Molecular consequence: missense variant.
Genome position (GRCh38, 1-based): chr10:100,781,279, C>T. VCF-style: chr10-100781279-C-T. GRCh37 (hg19) VCF-style: chr10-102541036-C-T.
Other names: c.623C>T, p.Ala208Val (NM_001304569.2); c.530C>T, p.Ala177Val (NM_003987.5, NM_003988.5, NM_003989.5 and 1 more transcripts); short protein forms A177V, A208V.
Identifiers: ClinVar variation 4526553 (VCV004526553.1).